The following is an entry in ClinVar:

ClinVar aggregate classification (germline): Uncertain significance (1 of 4 stars; one submission).

Conditions:
Carnitine palmitoyltransferase II deficiency. Also called: Carnitine Palmitoyltransferase 2 Deficiency. Identifiers: Orphanet 157, MedGen C0342790, MONDO:0015515.

Allele frequency attached by ClinVar (database versions not stated): gnomAD exomes below 0.00001.
gnomAD v4.1: 3 of 1,614,000 alleles (0.00019%); highest among the groups gnomAD compares: Non-Finnish European, 0.00017%; no homozygotes.

Submission:

Labcorp Genetics (formerly Invitae), Labcorp
Classification: Uncertain significance for Carnitine palmitoyltransferase II deficiency. Last evaluated: 2024-01-08. Review status: criteria provided, single submitter. Criteria: Invitae Variant Classification Sherloc (09022015). Collection method: clinical testing. Allele origin: germline.
Comment: This sequence change replaces tyrosine, which is neutral and polar, with cysteine, which is neutral and slightly polar, at codon 217 of the CPT2 protein (p.Tyr217Cys). This variant is not present in population databases (gnomAD no frequency). This variant has not been reported in the literature in individuals affected with CPT2-related conditions. ClinVar contains an entry for this variant (Variation ID: 582204). Advanced modeling of protein sequence and biophysical properties (such as structural, functional, and spatial information, amino acid conservation, physicochemical variation, residue mobility, and thermodynamic stability) performed at Invitae indicates that this missense variant is expected to disrupt CPT2 protein function with a positive predictive value of 80%. In summary, the available evidence is currently insufficient to determine the role of this variant in disease. Therefore, it has been classified as a Variant of Uncertain Significance.

NM_000098.3(CPT2):c.650A>G (p.Tyr217Cys)

Gene: CPT2 (carnitine palmitoyltransferase 2; plus strand). Cytogenetic location: 1p32.3.
Variant type: single nucleotide variant.
Coding change: c.650A>G on transcript NM_000098.3 (MANE Select); coding-DNA position 650, A replaced by G.
Protein change: p.Tyr217Cys; replaces tyrosine 217 with cysteine.
Molecular consequence: missense variant.
Genome position (GRCh38, 1-based): chr1:53,210,324, A>G. VCF-style: chr1-53210324-A-G. GRCh37 (hg19) VCF-style: chr1-53675996-A-G.
Other names: c.650A>G, p.Tyr217Cys (NM_001330589.2); short protein forms Y217C.
Identifiers: ClinVar variation 582204 (VCV000582204.6), dbSNP rs1557717264, ClinGen allele CA340393084.